The following is an entry in ClinVar:

NM_002386.4(MC1R):c.497C>T (p.Ala166Val)

Gene: MC1R (melanocortin 1 receptor; plus strand). Cytogenetic location: 16q24.3.
Variant type: single nucleotide variant.
Coding change: c.497C>T on transcript NM_002386.4 (MANE Select); coding-DNA position 497, C replaced by T.
Protein change: p.Ala166Val; replaces alanine 166 with valine.
Molecular consequence: missense variant.
Genome position (GRCh38, 1-based): chr16:89,919,755, C>T. VCF-style: chr16-89919755-C-T. GRCh37 (hg19) VCF-style: chr16-89986163-C-T.
Other names: short protein forms A166V.
Identifiers: ClinVar variation 1499782 (VCV001499782.6), dbSNP rs35040147, ClinGen allele CA8255627.

ClinVar aggregate classification (germline): Uncertain significance (1 of 4 stars; one submission).

Conditions:
Melanoma, cutaneous malignant, susceptibility to, 5. Also called: Cutaneous malignant melanoma 5. Identifiers: Orphanet 618, MedGen C2751295, MONDO:0013133, OMIM 613099.

Submission:

Labcorp Genetics (formerly Invitae), Labcorp
Classification: Uncertain significance for Melanoma, cutaneous malignant, susceptibility to, 5. Last evaluated: 2025-02-25. Review status: criteria provided, single submitter. Criteria: Invitae Variant Classification Sherloc (09022015). Collection method: clinical testing. Allele origin: germline.
Comment: This sequence change replaces alanine, which is neutral and non-polar, with valine, which is neutral and non-polar, at codon 166 of the MC1R protein (p.Ala166Val). The frequency data for this variant in the population databases is considered unreliable, as metrics indicate poor data quality at this position in the gnomAD database. This variant has not been reported in the literature in individuals affected with MC1R-related conditions. ClinVar contains an entry for this variant (Variation ID: 1499782). Invitae Evidence Modeling of protein sequence and biophysical properties (such as structural, functional, and spatial information, amino acid conservation, physicochemical variation, residue mobility, and thermodynamic stability) indicates that this missense variant is not expected to disrupt MC1R protein function with a negative predictive value of 80%. In summary, the available evidence is currently insufficient to determine the role of this variant in disease. Therefore, it has been classified as a Variant of Uncertain Significance.